The following is an entry in ClinVar:

NC_000020.10:g.(?_37060620)_(37581163_?)dup

Genes: ACTR5 (actin related protein 5; plus strand), ADIG (adipogenin; plus strand), ARHGAP40 (Rho GTPase activating protein 40; plus strand), FAM83D (family with sequence similarity 83 member D; plus strand), PPP1R16B (protein phosphatase 1 regulatory subunit 16B; plus strand) and 3 more. Cytogenetic location: 20q11.23.
Variant type: Duplication.
Identifiers: ClinVar variation 3248361 (VCV003248361.1).

ClinVar aggregate classification (germline): Uncertain significance (1 of 4 stars; one submission).

Submission:

Labcorp Genetics (formerly Invitae), Labcorp
Classification: Uncertain significance. Last evaluated: 2023-10-06. Review status: criteria provided, single submitter. Criteria: Invitae Variant Classification Sherloc (09022015). Collection method: clinical testing. Allele origin: unknown.
Comment: A copy number gain of the genomic region encompassing the full coding sequence of the SLC32A1 gene has been identified. The boundaries of this event are unknown as they extend beyond the assayed region for this gene and therefore may encompass additional genes. As the precise location of this event is unknown, it may be in tandem or it may be located elsewhere in the genome. This variant has not been reported in the literature in individuals affected with SLC32A1-related conditions. In summary, the available evidence is currently insufficient to determine the role of this variant in disease. Therefore, it has been classified as a Variant of Uncertain Significance.